The following is an entry in ClinVar:

ClinVar aggregate classification (germline): Conflicting classifications of pathogenicity. Review status: criteria provided, conflicting classifications (1 of 4 stars). 9 submissions from 9 submitters: Uncertain significance (7); Likely benign (2). Last evaluated 2025-12-06.

Conditions:
Hereditary cancer-predisposing syndrome. Also called: Hereditary neoplastic syndrome; Neoplastic Syndromes, Hereditary; Hereditary Cancer Syndrome; Tumor predisposition. Identifiers: Orphanet 140162, MedGen C0027672, MeSH D009386, MONDO:0015356.
Familial cancer of breast. Also called: Hereditary breast cancer; BREAST CANCER, FAMILIAL; hereditary breast carcinoma. Identifiers: Orphanet 227535, MedGen C0346153, MONDO:0016419, OMIM 114480. Disease mechanism: loss of function.

Allele frequency attached by ClinVar (database versions not stated): gnomAD exomes 0.00001 and 0.00003; gnomAD 0.00002; TOPMed 0.00002; ExAC 0.00003.
gnomAD v4.1: 49 of 1,607,696 alleles (0.003%); highest among the groups gnomAD compares: Non-Finnish European, 0.0039%; no homozygotes.

Submissions (9):

Labcorp Genetics (formerly Invitae), Labcorp
Classification: Uncertain significance for Familial cancer of breast. Last evaluated: 2025-12-06. Review status: criteria provided, single submitter. Criteria: Invitae Variant Classification Sherloc (09022015). Collection method: clinical testing. Allele origin: germline.
Comment: This sequence change replaces glutamic acid, which is acidic and polar, with glutamine, which is neutral and polar, at codon 27 of the BARD1 protein (p.Glu27Gln). This variant is present in population databases (rs587780037, gnomAD 0.009%). This missense change has been observed in individual(s) with B-cell acute lymphoblastic leukemia (PMID: 36187937). ClinVar contains an entry for this variant (Variation ID: 127748). An algorithm developed to predict the effect of missense changes on protein structure and function (PolyPhen-2) suggests that this variant is likely to be tolerated. Experimental studies have shown that this missense change does not substantially affect BARD1 function (PMID: 26350354). In summary, the available evidence is currently insufficient to determine the role of this variant in disease. Therefore, it has been classified as a Variant of Uncertain Significance.

Quest Diagnostics Nichols Institute San Juan Capistrano
Classification: Uncertain significance. Last evaluated: 2025-05-01. Review status: criteria provided, single submitter. Criteria: Quest Diagnostics criteria. Collection method: clinical testing. Allele origin: unknown.
Comment: The BARD1 c.79G>C (p.Glu27Gln) variant has been reported in the published literature in an individual with acute lymphoblastic leukemia (PMID: 36187937 (2022)), as well as in a reportedly unaffected individual in a large scale breast cancer association study (PMID: 33471991 (2021), see also LOVD). A functional study demonstrated that this variant had an inconclusive effect on protein function (PMID: 26350354 (2015)). The frequency of this variant in the general population (Genome Aggregation Database) is uninformative in the assessment of its pathogenicity. Analysis of this variant using bioinformatics tools for the prediction of the effect of amino acid changes on protein structure and function yielded predictions that this variant is benign. Based on the available information, we are unable to determine the clinical significance of this variant.

Color Diagnostics, LLC DBA Color Health
Classification: Uncertain significance for Hereditary cancer-predisposing syndrome. Last evaluated: 2024-08-19. Review status: criteria provided, single submitter. Criteria: ACMG Guidelines, 2015. Collection method: clinical testing. Allele origin: germline.
Comment: This missense variant replaces glutamic acid with glutamine at codon 27 of the BARD1 protein. Computational prediction suggests that this variant may not impact protein structure and function. The mutant protein has been reported to be functional in a homology-directed DNA repair assay (PMID: 26350354). This variant has not been reported in individuals affected with hereditary cancer in the literature. In a large breast cancer meta-analysis, this variant was absent in 60466 cases and observed in 1/53460 controls (PMID: 33471991). This variant has been identified in 3/233664 chromosomes in the general population by the Genome Aggregation Database (gnomAD). The available evidence is insufficient to determine the role of this variant in disease conclusively. Therefore, this variant is classified as a Variant of Uncertain Significance.

Myriad Genetics, Inc.
Classification: Likely benign for Familial cancer of breast. Last evaluated: 2024-07-18. Review status: criteria provided, single submitter. Criteria: Myriad Autosomal Dominant, Autosomal Recessive and X-Linked Classification Criteria (2023). Collection method: clinical testing. Allele origin: unknown.
Comment: This variant is considered likely benign. This variant is strongly associated with less severe personal and family histories of cancer, typical for individuals without pathogenic variants in this gene [PMID: 25085752].

GeneDx
Classification: Uncertain significance. Last evaluated: 2024-04-10. Review status: criteria provided, single submitter. Criteria: GeneDx Variant Classification Process June 2021. Collection method: clinical testing. Allele origin: germline. Affected: yes.
Comment: Published functional studies demonstrate no damaging effect: homology-directed repair and protein expression similar to wildtype (PMID: 26350354); Observed in an individual with pediatric-onset B-cell acute lymphoblastic leukemia (PMID: 36187937); Not observed at significant frequency in large population cohorts (gnomAD); In silico analysis indicates that this missense variant does not alter protein structure/function; This variant is associated with the following publications: (PMID: 18480049, 26350354, 36187937, 33471991)

Baylor Genetics
Classification: Uncertain significance for Familial cancer of breast. Last evaluated: 2024-02-29. Review status: criteria provided, single submitter. Criteria: ACMG Guidelines, 2015. Collection method: clinical testing. Allele origin: unknown.

Genetic Services Laboratory, University of Chicago
Classification: Uncertain significance. Last evaluated: 2020-08-20. Review status: criteria provided, single submitter. Criteria: ACMG Guidelines, 2015. Collection method: clinical testing. Allele origin: germline. Affected: no.
Comment: DNA sequence analysis of the BARD1 gene demonstrated a sequence change, c.79G>C, in exon 1 that results in an amino acid change, p.Glu27Gln. This sequence change does not appear to have been previously described in patients with BARD1-related disorders and been described in the gnomAD database with a low population frequency of 0.0013% (dbSNP rs587780037). The p.Glu27Gln change affects a poorly conserved amino acid residue located in a domain of the BARD1 protein that is not known to be functional. The p.Glu27Gln substitution appears to be benign using several in-silico pathogenicity prediction tools (SIFT, PolyPhen2, Align GVGD, REVEL). Due to these contrasting evidences and the lack of functional studies, the clinical significance of the p.Glu27Gln change remains unknown at this time.

Ambry Genetics
Classification: Likely benign for Hereditary cancer-predisposing syndrome. Last evaluated: 2018-04-18. Review status: criteria provided, single submitter. Criteria: Ambry Variant Classification Scheme 2023. Collection method: clinical testing. Allele origin: germline.

Women's Health and Genetics/Laboratory Corporation of America, LabCorp
Classification: Uncertain significance. Last evaluated: 2015-11-13. Review status: criteria provided, single submitter. Criteria: LabCorp Variant Classification Summary - May 2015. Collection method: clinical testing. Allele origin: germline.

Literature cited by the submitters: PubMed 36187937 (cited by Labcorp Genetics (formerly Invitae), Labcorp and Quest Diagnostics Nichols Institute San Juan Capistrano); PubMed 26350354 (cited by 5 submitters); PubMed 33471991 (cited by Quest Diagnostics Nichols Institute San Juan Capistrano and Color Diagnostics, LLC DBA Color Health); PubMed 25085752 (cited by Myriad Genetics, Inc.).

NM_000465.4(BARD1):c.79G>C (p.Glu27Gln)

Gene: BARD1 (BRCA1 associated RING domain 1; minus strand). Cytogenetic location: 2q35.
Variant type: single nucleotide variant.
Coding change: c.79G>C on transcript NM_000465.4 (MANE Select); coding-DNA position 79, G replaced by C.
Protein change: p.Glu27Gln; replaces glutamic acid 27 with glutamine.
Molecular consequence: missense variant. On other transcripts: non-coding transcript variant (3).
Genome position (GRCh38, 1-based): chr2:214,809,491, C>G on the plus strand (G>C on the coding strand, the complement: BARD1 is on the minus strand). VCF-style: chr2-214809491-C-G. GRCh37 (hg19) VCF-style: chr2-215674215-C-G.
Other names: p.E27Q:GAA>CAA; c.79G>C, p.Glu27Gln (NM_001282543.2, NM_001282545.2, NM_001282548.2 and 1 more transcripts); short protein forms E27Q.
Identifiers: ClinVar variation 127748 (VCV000127748.30), dbSNP rs587780037, ClinGen allele CA287558.
Genomic context (GRCh38, chr2:214,809,491, plus strand): 5'-GCTTCTCCAGGCGGTCGAGCGCGGCGCGACTGTGGGCCCAGGCACCGCGACCATCCGGTT[C>G]CATGGCGGGCGCGGAACGAGGCTCGTTCCCGGAGCGGATCCTCGGCTGCCGGTTCCTCGG-3'
Protein context (NP_000456.2, residues 17-37): GNEPRSAPAM[Glu27Gln]PDGRGAWAHS